The following is an entry in ClinVar:

ClinVar aggregate classification (germline): Uncertain significance (1 of 4 stars; one submission).

Allele frequency attached by ClinVar (database versions not stated): TOPMed below 0.00001; gnomAD 0.00001; gnomAD exomes 0.00001.

Submission:

Labcorp Genetics (formerly Invitae), Labcorp
Classification: Uncertain significance. Last evaluated: 2024-12-31. Review status: criteria provided, single submitter. Criteria: Invitae Variant Classification Sherloc (09022015). Collection method: clinical testing. Allele origin: germline.
Comment: This sequence change replaces arginine, which is basic and polar, with cysteine, which is neutral and slightly polar, at codon 388 of the FBN3 protein (p.Arg388Cys). The frequency data for this variant in the population databases is considered unreliable, as metrics indicate poor data quality at this position in the gnomAD database. This variant has not been reported in the literature in individuals affected with FBN3-related conditions. ClinVar contains an entry for this variant (Variation ID: 2739691). An algorithm developed to predict the effect of missense changes on protein structure and function (PolyPhen-2) suggests that this variant is likely to be disruptive. In summary, the available evidence is currently insufficient to determine the role of this variant in disease. Therefore, it has been classified as a Variant of Uncertain Significance.

NM_032447.5(FBN3):c.1162C>T (p.Arg388Cys)

Gene: FBN3 (fibrillin 3; minus strand). Cytogenetic location: 19p13.2.
Variant type: single nucleotide variant.
Coding change: c.1162C>T on transcript NM_032447.5 (MANE Select); coding-DNA position 1162, C replaced by T.
Protein change: p.Arg388Cys; replaces arginine 388 with cysteine.
Molecular consequence: missense variant.
Genome position (GRCh38, 1-based): chr19:8,138,180, G>A on the plus strand (C>T on the coding strand, the complement: FBN3 is on the minus strand). VCF-style: chr19-8138180-G-A. GRCh37 (hg19) VCF-style: chr19-8203064-G-A.
Other names: c.1162C>T, p.Arg388Cys (NM_001321431.2); short protein forms R388C.
Identifiers: ClinVar variation 2739691 (VCV002739691.3), dbSNP rs1484001729, ClinGen allele CA403712662.